The following is an entry in ClinVar:

NM_018063.5(HELLS):c.1046A>G (p.Lys349Arg)

Gene: HELLS (helicase, lymphoid specific; plus strand). Cytogenetic location: 10q23.33.
Variant type: single nucleotide variant.
Coding change: c.1046A>G on transcript NM_018063.5 (MANE Select); coding-DNA position 1046, A replaced by G.
Protein change: p.Lys349Arg; replaces lysine 349 with arginine.
Molecular consequence: missense variant. On other transcripts: 5 prime UTR variant (1), intron variant (3).
Genome position (GRCh38, 1-based): chr10:94,581,339, A>G. VCF-style: chr10-94581339-A-G. GRCh37 (hg19) VCF-style: chr10-96341096-A-G.
Other names: c.1046A>G, p.Lys349Arg (NM_001289067.2); c.998A>G, p.Lys333Arg (NM_001289068.2); c.950A>G, p.Lys317Arg (NM_001289069.2); c.674A>G, p.Lys225Arg (NM_001289071.2); c.632A>G, p.Lys211Arg (NM_001289073.2); c.-38A>G (NM_001289074.2); c.12-1624A>G (NM_001289075.2); c.1032+4534A>G (NM_001289070.2); and 1 more; short protein forms K211R, K225R, K317R, K333R, K349R.
Identifiers: ClinVar variation 2415372 (VCV002415372.6), dbSNP rs1180504505, ClinGen allele CA377661668.

ClinVar aggregate classification (germline): Uncertain significance (1 of 4 stars; one submission).

Allele frequency attached by ClinVar (database versions not stated): TOPMed below 0.00001.

Submission:

Labcorp Genetics (formerly Invitae), Labcorp
Classification: Uncertain significance. Last evaluated: 2022-07-21. Review status: criteria provided, single submitter. Criteria: Invitae Variant Classification Sherloc (09022015). Collection method: clinical testing. Allele origin: germline.
Comment: In summary, the available evidence is currently insufficient to determine the role of this variant in disease. Therefore, it has been classified as a Variant of Uncertain Significance. Algorithms developed to predict the effect of missense changes on protein structure and function (SIFT, PolyPhen-2, Align-GVGD) all suggest that this variant is likely to be tolerated. This variant has not been reported in the literature in individuals affected with HELLS-related conditions. This variant is not present in population databases (gnomAD no frequency). This sequence change replaces lysine, which is basic and polar, with arginine, which is basic and polar, at codon 349 of the HELLS protein (p.Lys349Arg).